The following is an entry in ClinVar:

ClinVar aggregate classification (germline): Uncertain significance (1 of 4 stars; one submission).

Submission:

GeneDx
Classification: Uncertain significance. Last evaluated: 2014-09-19. Review status: criteria provided, single submitter. Criteria: GeneDx Variant Classification (06012015). Collection method: clinical testing. Allele origin: germline. Affected: yes.
Comment: This variant is denoted BRCA2 c.8708A>T at the cDNA level, p.Glu2903Val (E2903V) at the protein level, and results in the change of a Glutamic Acid to a Valine (GAG>GTG). This variant has not, to our knowledge, been published in the literature as pathogenic or benign. BRCA2 Glu2903Val was not observed in approximately 6,500 individuals of European and African American ancestry in the NHLBI Exome Sequencing Project, indicating it is not a common benign variant in these populations. Since Glutamic Acid and Valine differ in polarity, charge, size or other properties, this is considered a non-conservative amino acid substitution. BRCA2 Glu2903Val occurs at a position that is conserved across species and is located in the DNA binding domain (Borg 2010). In silico analyses predict that this variant is probably damaging to protein structure and function. Based on currently available information, it is unclear whether BRCA2 Glu2903Val is pathogenic or benign. We consider it to be a variant of uncertain significance.

NM_000059.4(BRCA2):c.8708A>T (p.Glu2903Val)

Gene: BRCA2 (BRCA2 DNA repair associated; plus strand). Cytogenetic location: 13q13.1.
Variant type: single nucleotide variant.
Coding change: c.8708A>T on transcript NM_000059.4 (MANE Select); coding-DNA position 8708, A replaced by T.
Protein change: p.Glu2903Val; replaces glutamic acid 2903 with valine.
Molecular consequence: missense variant.
Genome position (GRCh38, 1-based): chr13:32,376,745, A>T. VCF-style: chr13-32376745-A-T. GRCh37 (hg19) VCF-style: chr13-32950882-A-T.
Other names: p.E2903V:GAG>GTG; short protein forms E2903V.
Identifiers: ClinVar variation 182253 (VCV000182253.2), dbSNP rs730881566, ClinGen allele CA025789.